The following is an entry in ClinVar:

ClinVar aggregate classification (germline): Uncertain significance (1 of 4 stars; one submission).

Allele frequency attached by ClinVar (database versions not stated): gnomAD exomes below 0.00001.

Submission:

Labcorp Genetics (formerly Invitae), Labcorp
Classification: Uncertain significance. Last evaluated: 2022-02-21. Review status: criteria provided, single submitter. Criteria: Invitae Variant Classification Sherloc (09022015). Collection method: clinical testing. Allele origin: germline.
Comment: This sequence change replaces methionine, which is neutral and non-polar, with threonine, which is neutral and polar, at codon 1264 of the LAMB1 protein (p.Met1264Thr). In summary, the available evidence is currently insufficient to determine the role of this variant in disease. Therefore, it has been classified as a Variant of Uncertain Significance. Algorithms developed to predict the effect of missense changes on protein structure and function are either unavailable or do not agree on the potential impact of this missense change (SIFT: "Deleterious"; PolyPhen-2: "Benign"; Align-GVGD: "Class C65"). This variant has not been reported in the literature in individuals affected with LAMB1-related conditions. This variant is not present in population databases (gnomAD no frequency).

NM_002291.3(LAMB1):c.3791T>C (p.Met1264Thr)

Gene: LAMB1 (laminin subunit beta 1; minus strand). Cytogenetic location: 7q31.1.
Variant type: single nucleotide variant.
Coding change: c.3791T>C on transcript NM_002291.3 (MANE Select); coding-DNA position 3791, T replaced by C.
Protein change: p.Met1264Thr; replaces methionine 1264 with threonine.
Molecular consequence: missense variant.
Genome position (GRCh38, 1-based): chr7:107,937,248, A>G on the plus strand (T>C on the coding strand, the complement: LAMB1 is on the minus strand). VCF-style: chr7-107937248-A-G. GRCh37 (hg19) VCF-style: chr7-107577693-A-G.
Other names: short protein forms M1264T.
Identifiers: ClinVar variation 2101022 (VCV002101022.4), dbSNP rs2535403022, ClinGen allele CA368856626.
Genomic context (GRCh38, chr7:107,937,248, plus strand): 5'-TCTTTGGCTGTGCTGTTGCTTTGGGAAGTTGTGTCAGATAATTTCACTTCTACTTGAGCC[A>G]TCATTTCTGTAACATCTTTAATCAGTTTCCTGTAAAGAGAAAGTTAAGCTTACTTACATA-3'
Protein context (NP_002282.2, residues 1254-1274): EKLIKDVTEM[Met1264Thr]AQVEVKLSDT